The following is an entry in ClinVar:

NM_182914.3(SYNE2):c.8474G>A (p.Arg2825Lys)

Gene: SYNE2 (spectrin repeat containing nuclear envelope protein 2; plus strand). Cytogenetic location: 14q23.2.
Variant type: single nucleotide variant.
Coding change: c.8474G>A on transcript NM_182914.3 (MANE Select); coding-DNA position 8474, G replaced by A.
Protein change: p.Arg2825Lys; replaces arginine 2825 with lysine.
Molecular consequence: missense variant.
Genome position (GRCh38, 1-based): chr14:64,052,387, G>A. VCF-style: chr14-64052387-G-A. GRCh37 (hg19) VCF-style: chr14-64519105-G-A.
Other names: c.8474G>A, p.Arg2825Lys (NM_015180.6); short protein forms R2825K.
Identifiers: ClinVar variation 282067 (VCV000282067.12), dbSNP rs748757670, ClinGen allele CA7221114.
Genomic context (GRCh38, chr14:64,052,387, plus strand): 5'-ATAATACCCTAGAGGACTTACGGAATCAATACCAAATGCTGGTTTTAAAATCAACTCAAA[G>A]ATCACAGCAATTAGAATTTAAGTTGGAAGAAAGAAGCAATTTTTTTGCTATAATAAGGAA-3'
Protein context (NP_878918.2, residues 2815-2835): YQMLVLKSTQ[Arg2825Lys]SQQLEFKLEE

ClinVar aggregate classification (germline): Uncertain significance. Review status: criteria provided, multiple submitters, no conflicts (2 of 4 stars). 4 submissions from 4 submitters: Uncertain significance (4). Last evaluated 2023-01-31.

Conditions:
SYNE2-related disorder. Also called: SYNE2-related condition.
Emery-Dreifuss muscular dystrophy 5, autosomal dominant (EDMD5). Also called: EMERY-DREIFUSS MUSCULAR DYSTROPHY 5. Identifiers: Orphanet 261, MedGen C2751805, MONDO:0013072, OMIM 612999.

Allele frequency attached by ClinVar (database versions not stated): ExAC 0.00001; gnomAD exomes 0.00001 and 0.00003; TOPMed 0.00002; gnomAD 0.00003.
gnomAD v4.1: 48 of 1,613,882 alleles (0.003%); highest among the groups gnomAD compares: Non-Finnish European, 0.004%; no homozygotes.

Submissions (4):

PreventionGenetics, part of Exact Sciences
Classification: Uncertain significance for SYNE2-related condition. Last evaluated: 2023-01-31. Review status: criteria provided, single submitter. Criteria: ACMG Guidelines, 2015. Collection method: clinical testing. Allele origin: germline.
Comment: The SYNE2 c.8474G>A variant is predicted to result in the amino acid substitution p.Arg2825Lys. To our knowledge, this variant has not been reported in the literature. This variant is reported in 0.0018% of alleles in individuals of European (Non-Finnish) descent in gnomAD. At this time, the clinical significance of this variant is uncertain due to the absence of conclusive functional and genetic evidence.

Women's Health and Genetics/Laboratory Corporation of America, LabCorp
Classification: Uncertain significance. Last evaluated: 2022-11-09. Review status: criteria provided, single submitter. Criteria: LabCorp Variant Classification Summary - May 2015. Collection method: clinical testing. Allele origin: germline.
Comment: Variant summary: SYNE2 c.8474G>A (p.Arg2825Lys) results in a conservative amino acid change in the encoded protein sequence. Three of five in-silico tools predict a benign effect of the variant on protein function. The variant allele was found at a frequency of 8e-06 in 249032 control chromosomes (gnomAD). The available data on variant occurrences in the general population are insufficient to allow any conclusion about variant significance. To our knowledge, no occurrence of c.8474G>A in individuals affected with Emery-Dreifuss Muscular Dystrophy 5, Autosomal Dominant and no experimental evidence demonstrating its impact on protein function have been reported. Two ClinVar submitters (evaluation after 2014) cite the variant as uncertain significance. Based on the evidence outlined above, the variant was classified as uncertain significance.

Labcorp Genetics (formerly Invitae), Labcorp
Classification: Uncertain significance for Emery-Dreifuss muscular dystrophy 5, autosomal dominant. Last evaluated: 2021-09-09. Review status: criteria provided, single submitter. Criteria: Invitae Variant Classification Sherloc (09022015). Collection method: clinical testing. Allele origin: germline.
Comment: In summary, the available evidence is currently insufficient to determine the role of this variant in disease. Therefore, it has been classified as a Variant of Uncertain Significance. Algorithms developed to predict the effect of missense changes on protein structure and function are either unavailable or do not agree on the potential impact of this missense change (SIFT: "Tolerated"; PolyPhen-2: "Possibly Damaging"; Align-GVGD: "Class C0"). ClinVar contains an entry for this variant (Variation ID: 282067). This variant has not been reported in the literature in individuals affected with SYNE2-related conditions. This variant is present in population databases (rs748757670, ExAC 0.002%). This sequence change replaces arginine with lysine at codon 2825 of the SYNE2 protein (p.Arg2825Lys). The arginine residue is weakly conserved and there is a small physicochemical difference between arginine and lysine.

Eurofins Ntd Llc (ga)
Classification: Uncertain significance. Last evaluated: 2015-08-20. Review status: criteria provided, single submitter. Criteria: EGL Classification Definitions 2015. Collection method: clinical testing. Allele origin: germline. Observed: 1 variant allele, 1 heterozygote.